The following is an entry in ClinVar:

ClinVar aggregate classification (germline): Uncertain significance (1 of 4 stars; one submission).

Conditions:
Muscular dystrophy-dystroglycanopathy (congenital with brain and eye anomalies), type A, 7. Also called: WALKER-WARBURG SYNDROME OR MUSCLE-EYE-BRAIN DISEASE, ISPD-RELATED; Congenital muscular dystrophy-dystroglycanopathy with brain and eye anomalies, type A7. Identifiers: Orphanet 899, MedGen C3553330, MONDO:0013835, OMIM 614643.
Autosomal recessive limb-girdle muscular dystrophy type 2U. Also called: Muscular dystrophy-dystroglycanopathy (limb-girdle), type c, 7; MUSCULAR DYSTROPHY, LIMB-GIRDLE, TYPE 2U. Identifiers: Orphanet 352479, MedGen C5190987, MONDO:0014474, OMIM 616052.

Allele frequency attached by ClinVar (database versions not stated): gnomAD exomes below 0.00001.
gnomAD v4.1: 6 of 1,613,194 alleles (0.00037%); highest among the groups gnomAD compares: Non-Finnish European, 0.00042%; no homozygotes.

Submission:

Labcorp Genetics (formerly Invitae), Labcorp
Classification: Uncertain significance for Muscular dystrophy-dystroglycanopathy (congenital with brain and eye anomalies), type A, 7; Autosomal recessive limb-girdle muscular dystrophy type 2U. Last evaluated: 2021-10-11. Review status: criteria provided, single submitter. Criteria: Invitae Variant Classification Sherloc (09022015). Collection method: clinical testing. Allele origin: germline.
Comment: In summary, the available evidence is currently insufficient to determine the role of this variant in disease. Therefore, it has been classified as a Variant of Uncertain Significance. Algorithms developed to predict the effect of missense changes on protein structure and function are either unavailable or do not agree on the potential impact of this missense change (SIFT: "Deleterious"; PolyPhen-2: "Possibly Damaging"; Align-GVGD: "Class C15"). This variant has not been reported in the literature in individuals affected with ISPD-related conditions. This variant is not present in population databases (ExAC no frequency). This sequence change replaces glutamic acid with lysine at codon 176 of the ISPD protein (p.Glu176Lys). The glutamic acid residue is highly conserved and there is a small physicochemical difference between glutamic acid and lysine.

NM_001101426.4(CRPPA):c.526G>A (p.Glu176Lys)

Gene: CRPPA (CDP-L-ribitol pyrophosphorylase A; minus strand). Cytogenetic location: 7p21.2.
Variant type: single nucleotide variant.
Coding change: c.526G>A on transcript NM_001101426.4 (MANE Select); coding-DNA position 526, G replaced by A.
Protein change: p.Glu176Lys; replaces glutamic acid 176 with lysine.
Molecular consequence: missense variant. On other transcripts: non-coding transcript variant (1).
Genome position (GRCh38, 1-based): chr7:16,406,069, C>T on the plus strand (G>A on the coding strand, the complement: CRPPA is on the minus strand). VCF-style: chr7-16406069-C-T. GRCh37 (hg19) VCF-style: chr7-16445694-C-T.
Other names: c.526G>A, p.Glu176Lys (NM_001101417.4, NM_001368197.1); short protein forms E176K.
Identifiers: ClinVar variation 1680787 (VCV001680787.6), dbSNP rs2128318414, ClinGen allele CA367002063.